The following is an entry in ClinVar:

ClinVar aggregate classification (germline): Benign. Review status: criteria provided, multiple submitters, no conflicts (2 of 4 stars). 4 submissions from 4 submitters: Benign (4). Last evaluated 2026-02-03.

Conditions:
Autosomal dominant cerebellar ataxia. Also called: Spinocerebellar Ataxia, Dominant. Identifiers: Orphanet 99, MedGen C4087347, MONDO:0020380.

Allele frequency attached by ClinVar (database versions not stated): ESP Exome Variant Server 0.03934; gnomAD 0.04752; TOPMed 0.05659; 1000 Genomes Project 30x 0.06949; 1000 Genomes Project 0.07089.
gnomAD v4.1: 38,824 of 1,582,676 alleles (2.5%); highest among the groups gnomAD compares: East Asian, 12%; 1,227 homozygotes.

Submissions (4):

Labcorp Genetics (formerly Invitae), Labcorp
Classification: Benign. Last evaluated: 2026-02-03. Review status: criteria provided, single submitter. Criteria: Invitae Variant Classification Sherloc (09022015). Collection method: clinical testing. Allele origin: germline.

GeneDx
Classification: Benign. Last evaluated: 2018-07-27. Review status: criteria provided, single submitter. Criteria: GeneDx Variant Classification Process June 2021. Collection method: clinical testing. Allele origin: germline. Affected: yes.

Illumina Laboratory Services, Illumina
Classification: Benign for Spinocerebellar Ataxia, Dominant. Last evaluated: 2018-01-13. Review status: criteria provided, single submitter. Criteria: ICSL Variant Classification Criteria 13 December 2019. Collection method: clinical testing. Allele origin: germline.
Comment: This variant was observed in the ICSL laboratory as part of a predisposition screen in an ostensibly healthy population. It had not been previously curated by ICSL or reported in the Human Gene Mutation Database (HGMD: prior to June 1st, 2018), and was therefore a candidate for classification through an automated scoring system. Utilizing variant allele frequency, disease prevalence and penetrance estimates, and inheritance mode, an automated score was calculated to assess if this variant is too frequent to cause the disease. Based on the score and internal cut-off values, a variant classified as benign is not then subjected to further curation. The score for this variant resulted in a classification of benign for this disease.

Breakthrough Genomics
Classification: Benign. Review status: criteria provided, single submitter. Criteria: ACMG Guidelines, 2015. Collection method: not provided. Allele origin: germline. Inheritance: Autosomal dominant inheritance. Affected: yes.

NM_001378452.1(ITPR1):c.1412+11C>T

Gene: ITPR1 (inositol 1,4,5-trisphosphate receptor type 1; plus strand). Cytogenetic location: 3p26.1.
Variant type: single nucleotide variant.
Coding change: c.1412+11C>T on transcript NM_001378452.1 (MANE Select); 11 bases into the intron after coding-DNA position 1412, C replaced by T.
Molecular consequence: intron variant.
Genome position (GRCh38, 1-based): chr3:4,662,253, C>T. VCF-style: chr3-4662253-C-T. GRCh37 (hg19) VCF-style: chr3-4703937-C-T.
Other names: c.1412+11C>T (NM_001099952.4); c.1367+11C>T (NM_001168272.2, NM_002222.7).
Identifiers: ClinVar variation 345646 (VCV000345646.14), dbSNP rs7632000, ClinGen allele CA2231171.